The following is an entry in ClinVar:

ClinVar aggregate classification (germline): Likely benign. Review status: criteria provided, single submitter (1 of 4 stars). 2 submissions from 2 submitters: Likely benign (1). 1 of the submissions does not count toward it. Last evaluated 2024-11-27.

Conditions:
FPR1-related disorder. Also called: FPR1-related condition.

Allele frequency attached by ClinVar (database versions not stated): ExAC 0.00012; TOPMed 0.00026; gnomAD 0.00029; gnomAD exomes 0.00065.
gnomAD v4.1: 998 of 1,609,664 alleles (0.062%); highest among the groups gnomAD compares: Non-Finnish European, 0.078%; no homozygotes.

Submissions (2):

Blueprint Genetics
Classification: Likely benign. Last evaluated: 2024-11-27. Review status: criteria provided, single submitter. Criteria: ACMG Guidelines, 2015. Collection method: clinical testing. Allele origin: germline.

PreventionGenetics, part of Exact Sciences
Classification: Likely benign for FPR1-related condition. Last evaluated: 2019-10-28. Review status: no assertion criteria provided. Collection method: clinical testing. Allele origin: germline. Not counted in ClinVar's aggregate classification.
Comment: This variant is classified as likely benign based on ACMG/AMP sequence variant interpretation guidelines (Richards et al. 2015 PMID: 25741868, with internal and published modifications).

NM_002029.4(FPR1):c.1038G>A (p.Glu346=)

Gene: FPR1 (formyl peptide receptor 1; minus strand). Cytogenetic location: 19q13.41.
Variant type: single nucleotide variant.
Coding change: c.1038G>A on transcript NM_002029.4 (MANE Select); coding-DNA position 1038, G replaced by A.
Protein change: p.Glu346=; no amino-acid change (glutamic acid 346 retained).
Molecular consequence: synonymous variant.
Genome position (GRCh38, 1-based): chr19:51,745,957, C>T on the plus strand (G>A on the coding strand, the complement: FPR1 is on the minus strand). VCF-style: chr19-51745957-C-T. GRCh37 (hg19) VCF-style: chr19-52249210-C-T.
Other names: c.1038G>A, p.Glu346= (NM_001193306.2).
Identifiers: ClinVar variation 3040106 (VCV003040106.3), dbSNP rs139480916, ClinGen allele CA9616334.